The following is an entry in ClinVar:

ClinVar aggregate classification (germline): Uncertain significance (1 of 4 stars; one submission).

Allele frequency attached by ClinVar (database versions not stated): TOPMed 0.00002; gnomAD 0.00003 and 0.00004.
gnomAD v4.1: 5 of 1,613,698 alleles (0.00031%); highest among the groups gnomAD compares: African/African-American, 0.0067%; no homozygotes.

Submission:

Labcorp Genetics (formerly Invitae), Labcorp
Classification: Uncertain significance. Last evaluated: 2021-08-27. Review status: criteria provided, single submitter. Criteria: Invitae Variant Classification Sherloc (09022015). Collection method: clinical testing. Allele origin: germline.
Comment: This sequence change replaces isoleucine with valine at codon 361 of the TTC37 protein (p.Ile361Val). The isoleucine residue is weakly conserved and there is a small physicochemical difference between isoleucine and valine. This variant is not present in population databases (ExAC no frequency). This variant has not been reported in the literature in individuals affected with TTC37-related conditions. Algorithms developed to predict the effect of missense changes on protein structure and function output the following: SIFT: "Tolerated"; PolyPhen-2: "Benign"; Align-GVGD: "Class C0". The valine amino acid residue is found in multiple mammalian species, which suggests that this missense change does not adversely affect protein function. In summary, the available evidence is currently insufficient to determine the role of this variant in disease. Therefore, it has been classified as a Variant of Uncertain Significance.

NM_014639.4(SKIC3):c.1081A>G (p.Ile361Val)

Gene: SKIC3 (SKI3 subunit of superkiller complex; minus strand). Cytogenetic location: 5q15.
Variant type: single nucleotide variant.
Coding change: c.1081A>G on transcript NM_014639.4 (MANE Select); coding-DNA position 1081, A replaced by G.
Protein change: p.Ile361Val; replaces isoleucine 361 with valine.
Molecular consequence: missense variant.
Genome position (GRCh38, 1-based): chr5:95,528,066, T>C on the plus strand (A>G on the coding strand, the complement: SKIC3 is on the minus strand). VCF-style: chr5-95528066-T-C. GRCh37 (hg19) VCF-style: chr5-94863770-T-C.
Other names: short protein forms I361V.
Identifiers: ClinVar variation 1363022 (VCV001363022.5), dbSNP rs892143280, ClinGen allele CA122864489.